The following is an entry in ClinVar:

ClinVar aggregate classification (germline): Uncertain significance. Review status: criteria provided, multiple submitters, no conflicts (2 of 4 stars). 3 submissions from 3 submitters: Uncertain significance (3). Last evaluated 2025-01-15.

Conditions:
PKHD1-related disorder. Also called: PKHD1-related condition.
Polycystic kidney disease 4 (PKD4). Also called: POLYCYSTIC KIDNEY AND HEPATIC DISEASE 1; POLYCYSTIC KIDNEY DISEASE, INFANTILE, TYPE I; PKD3; POLYCYSTIC KIDNEY DISEASE 4 WITH OR WITHOUT POLYCYSTIC LIVER DISEASE; Autosomal Recessive Polycystic Kidney Disease – PKHD1. Identifiers: MedGen C4540575, MONDO:0033004, OMIM 263200.

Allele frequency attached by ClinVar (database versions not stated): gnomAD 0.00001; gnomAD exomes 0.00001; TOPMed 0.00001.
gnomAD v4.1: 13 of 1,612,590 alleles (0.00081%); highest among the groups gnomAD compares: Non-Finnish European, 0.0011%; no homozygotes.

Submissions (3):

PreventionGenetics, part of Exact Sciences
Classification: Uncertain significance for PKHD1-related condition. Last evaluated: 2025-01-15. Review status: criteria provided, single submitter. Criteria: ACMG Guidelines, 2015. Collection method: clinical testing. Allele origin: germline.
Comment: The PKHD1 c.6143T>C variant is predicted to result in the amino acid substitution p.Val2048Ala. To our knowledge, this variant has not been reported in the literature. This variant is reported in 0.0018% of alleles in individuals of European (Non-Finnish) descent in gnomAD. At this time, the clinical significance of this variant is uncertain due to the absence of conclusive functional and genetic evidence.

Fulgent Genetics
Classification: Uncertain significance for Polycystic kidney disease 4. Last evaluated: 2022-05-26. Review status: criteria provided, single submitter. Criteria: ACMG Guidelines, 2015. Collection method: clinical testing. Allele origin: unknown.

Eurofins Ntd Llc (ga)
Classification: Uncertain significance. Last evaluated: 2016-12-09. Review status: criteria provided, single submitter. Criteria: EGL Classification Definitions 2015. Collection method: clinical testing. Allele origin: germline. Observed: 1 variant allele, 1 heterozygote.

NM_138694.4(PKHD1):c.6143T>C (p.Val2048Ala)

Gene: PKHD1 (PKHD1 ciliary IPT domain containing fibrocystin/polyductin; minus strand). Cytogenetic location: 6p12.2.
Variant type: single nucleotide variant.
Coding change: c.6143T>C on transcript NM_138694.4 (MANE Select); coding-DNA position 6143, T replaced by C.
Protein change: p.Val2048Ala; replaces valine 2048 with alanine.
Molecular consequence: missense variant.
Genome position (GRCh38, 1-based): chr6:51,912,555, A>G on the plus strand (T>C on the coding strand, the complement: PKHD1 is on the minus strand). VCF-style: chr6-51912555-A-G. GRCh37 (hg19) VCF-style: chr6-51777353-A-G.
Other names: c.6143T>C, p.Val2048Ala (NM_170724.3); c.6143T>C (NM_138694.3); short protein forms V2048A.
Identifiers: ClinVar variation 499210 (VCV000499210.7), dbSNP rs1283289447, ClinGen allele CA364439945.
Genomic context (GRCh38, chr6:51,912,555, plus strand): 5'-ACAGCATCTTCTAAAGCCAGCACTGTGTCTAGGGCATGGGCAGTTGCTCTAAGACAGGTG[A>G]CAATTACTTCTGGTAGTGAACCTAAAGCAGCCCGAGGAAAAGTTGTCCAGATAATTTAAT-3'
Protein context (NP_619639.3, residues 2038-2058): SLHGSLPEVI[Val2048Ala]TCLRATAHAL